The following is an entry in ClinVar:

NM_014363.6(SACS):c.7374del (p.Met2459fs)

Gene: SACS (sacsin molecular chaperone; minus strand). Cytogenetic location: 13q12.12.
Variant type: Deletion.
Coding change: c.7374del on transcript NM_014363.6 (MANE Select); coding-DNA position 7374, one base deleted (T; older notation c.7374delT).
Protein change: p.Met2459fs; shifts the reading frame from methionine 2459.
Molecular consequence: frameshift variant.
Genome position (GRCh38, 1-based): chr13:23,336,502, A deleted on the plus strand (T on the coding strand, the reverse complement: SACS is on the minus strand); the first of 2 consecutive A bases (chr13:23,336,502-23,336,503); deleting either gives the same sequence. VCF-style (leftmost placement, unchanged base first): chr13-23336501-TA-T. GRCh37 (hg19) VCF-style: chr13-23910640-TA-T.
Other names: c.6933del, p.Met2312fs (NM_001278055.2); short protein forms M2312fs, M2459fs.
Identifiers: ClinVar variation 994456 (VCV000994456.1), dbSNP rs1868615639, ClinGen allele CA1139663027.
Genomic context (GRCh38, chr13:23,336,501, plus strand): 5'-TATCCTTTACTTTTATCCAAGGGCAATCATTGTAGCATAACGATTTAGCAGGGAGAAGCA[TA>T]AGATTAGTATCTGGCAATAATATCTTGCCATAATTTTTCTCACAAAATTCTTGTTTCTTT-3'

ClinVar aggregate classification (germline): Pathogenic (1 of 4 stars; one submission).

Submission:

Athena Diagnostics
Classification: Pathogenic. Last evaluated: 2019-09-27. Review status: criteria provided, single submitter. Criteria: Athena Diagnostics Criteria. Collection method: clinical testing. Allele origin: unknown.
Comment: The variant results in a shift of the reading frame, and is therefore predicted to result in the loss of a functional protein. Found in at least one patient with expected phenotype for this gene, and not found in general population data.

Literature cited by the submitters: PubMed 20876471.